The following is an entry in ClinVar:

NM_024422.6(DSC2):c.2590T>G (p.Ser864Ala)

Gene: DSC2 (desmocollin 2; minus strand). Cytogenetic location: 18q12.1.
Variant type: single nucleotide variant.
Coding change: c.2590T>G on transcript NM_024422.6 (MANE Select); coding-DNA position 2590, T replaced by G.
Protein change: p.Ser864Ala; replaces serine 864 with alanine.
Molecular consequence: missense variant. On other transcripts: 3 prime UTR variant (2).
Genome position (GRCh38, 1-based): chr18:31,068,131, A>C on the plus strand (T>G on the coding strand, the complement: DSC2 is on the minus strand). VCF-style: chr18-31068131-A-C. GRCh37 (hg19) VCF-style: chr18-28648097-A-C.
Other names: c.2161T>G, p.Ser721Ala (NM_001406506.1); c.*92T>G (NM_001406507.1, NM_004949.5); short protein forms S721A, S864A.
Identifiers: ClinVar variation 3071922 (VCV003071922.1), dbSNP rs754433436, ClinGen allele CA402110508.

ClinVar aggregate classification (germline): Uncertain significance (1 of 4 stars; one submission).

Conditions:
Familial isolated arrhythmogenic right ventricular dysplasia. Identifiers: Orphanet 217656, MedGen C4274968, MONDO:0016342.

Submission:

All of Us Research Program, National Institutes of Health
Classification: Uncertain significance for Familial isolated arrhythmogenic right ventricular dysplasia. Last evaluated: 2023-06-26. Review status: criteria provided, single submitter. Criteria: ACMG Guidelines, 2015. Collection method: clinical testing. Allele origin: germline. Inheritance: Autosomal dominant inheritance. Observed: 1 variant allele, 1 heterozygote.
Comment: This missense variant replaces serine with alanine at codon 864 of the DSC2 protein. Computational prediction is inconclusive regarding the impact of this variant on protein structure and function (internally defined REVEL score threshold 0.5 < inconclusive < 0.7, PMID: 27666373). To our knowledge, functional studies have not been reported for this variant. This variant has not been reported in individuals affected with DSC2-related disorders in the literature. This variant has not been identified in the general population by the Genome Aggregation Database (gnomAD). The available evidence is insufficient to determine the role of this variant in disease conclusively. Therefore, this variant is classified as a Variant of Uncertain Significance.

This study involves interpretation of variants in research participants for the purpose of population health screening. Participant phenotype was not available at the time of variant classification. Additional details can be found in publication PMID: 35346344, PMCID: PMC8962531